The following is an entry in ClinVar:

ClinVar aggregate classification (germline): Uncertain significance (1 of 4 stars; one submission).

Conditions:
DNMT1-related disorder. Also called: DNMT1-related condition. Identifiers: MedGen CN381527.

Submission:

PreventionGenetics, part of Exact Sciences
Classification: Uncertain significance for DNMT1-related condition. Last evaluated: 2026-06-03. Review status: criteria provided, single submitter. Criteria: ACMG Guidelines, 2015. Collection method: clinical testing. Allele origin: germline.
Comment: The DNMT1 c.124G>T variant is predicted to result in the amino acid substitution p.Val42Leu. To our knowledge, this variant has not been reported in the literature or in a large population database (gnomAD), indicating this variant is rare. At this time, the clinical significance of this variant is uncertain due to the absence of conclusive functional and genetic evidence.

NM_001130823.3(DNMT1):c.124G>T (p.Val42Leu)

Gene: DNMT1 (DNA methyltransferase 1; minus strand). Cytogenetic location: 19p13.2.
Variant type: single nucleotide variant.
Coding change: c.124G>T on transcript NM_001130823.3 (MANE Select); coding-DNA position 124, G replaced by T.
Protein change: p.Val42Leu; replaces valine 42 with leucine.
Molecular consequence: missense variant. On other transcripts: 5 prime UTR variant (1).
Genome position (GRCh38, 1-based): chr19:10,180,879, C>A on the plus strand (G>T on the coding strand, the complement: DNMT1 is on the minus strand). VCF-style: chr19-10180879-C-A. GRCh37 (hg19) VCF-style: chr19-10291555-C-A.
Other names: c.124G>T, p.Val42Leu (NM_001318730.2, NM_001379.4); c.-200G>T (NM_001318731.2); short protein forms V42L.
Identifiers: ClinVar variation 4994168 (VCV004994168.1).